The following is an entry in ClinVar:

ClinVar aggregate classification (germline): Uncertain significance (1 of 4 stars; one submission).

Conditions:
Spondyloepiphyseal dysplasia with congenital joint dislocations (SEDCJD). Also called: Chondrodysplasia with Congenital Joint Dislocations, CHST3-Related. Identifiers: Orphanet 263463, MedGen C1837657, MONDO:0007738, OMIM 143095.

Allele frequency attached by ClinVar (database versions not stated): TOPMed below 0.00001; gnomAD 0.00001.
gnomAD v4.1: 1 of 1,614,076 alleles (0.000062%); highest among the groups gnomAD compares: Non-Finnish European, 0.000085%; no homozygotes.

Submission:

Labcorp Genetics (formerly Invitae), Labcorp
Classification: Uncertain significance for Spondyloepiphyseal dysplasia with congenital joint dislocations. Last evaluated: 2024-04-19. Review status: criteria provided, single submitter. Criteria: Invitae Variant Classification Sherloc (09022015). Collection method: clinical testing. Allele origin: germline.
Comment: This sequence change replaces aspartic acid, which is acidic and polar, with glycine, which is neutral and non-polar, at codon 61 of the CHST3 protein (p.Asp61Gly). This variant is present in population databases (no rsID available, gnomAD 0.007%). This variant has not been reported in the literature in individuals affected with CHST3-related conditions. ClinVar contains an entry for this variant (Variation ID: 1491709). An algorithm developed to predict the effect of missense changes on protein structure and function (PolyPhen-2) suggests that this variant is likely to be tolerated. In summary, the available evidence is currently insufficient to determine the role of this variant in disease. Therefore, it has been classified as a Variant of Uncertain Significance.

NM_004273.5(CHST3):c.182A>G (p.Asp61Gly)

Gene: CHST3 (carbohydrate sulfotransferase 3; plus strand). Cytogenetic location: 10q22.1.
Variant type: single nucleotide variant.
Coding change: c.182A>G on transcript NM_004273.5 (MANE Select); coding-DNA position 182, A replaced by G.
Protein change: p.Asp61Gly; replaces aspartic acid 61 with glycine.
Molecular consequence: missense variant.
Genome position (GRCh38, 1-based): chr10:72,007,213, A>G. VCF-style: chr10-72007213-A-G. GRCh37 (hg19) VCF-style: chr10-73766971-A-G.
Other names: short protein forms D61G.
Identifiers: ClinVar variation 1491709 (VCV001491709.5), dbSNP rs1362350248, ClinGen allele CA377142296.